The following is an entry in ClinVar:

ClinVar aggregate classification (germline): Uncertain significance (1 of 4 stars; one submission).

Submission:

CeGaT Center for Human Genetics Tuebingen
Classification: Uncertain significance. Last evaluated: 2024-08-01. Review status: criteria provided, single submitter. Criteria: CeGaT Center For Human Genetics Tuebingen Variant Classification Criteria Version 2. Collection method: clinical testing. Allele origin: germline. Affected: yes. Observed: 1 variant allele.
Comment: EYA1: PM2

NM_000503.6(EYA1):c.-54-2A>G

Gene: EYA1 (EYA transcriptional coactivator and phosphatase 1; minus strand). Cytogenetic location: 8q13.3.
Variant type: single nucleotide variant.
Coding change: c.-54-2A>G on transcript NM_000503.6 (MANE Select); the canonical splice acceptor site of the intron before 54 bases upstream of the start codon, A replaced by G.
Molecular consequence: splice acceptor variant. On other transcripts: 5 prime UTR variant (2).
Genome position (GRCh38, 1-based): chr8:71,356,513, T>C on the plus strand (A>G on the coding strand, the complement: EYA1 is on the minus strand). VCF-style: chr8-71356513-T-C. GRCh37 (hg19) VCF-style: chr8-72268748-T-C.
Other names: c.-56A>G (NM_172058.4); c.-27A>G (NM_172060.4); c.34-2A>G (NM_001370336.1, NM_001370333.1, NM_172059.5); c.-54-2A>G (NM_001370335.1, NM_001370334.1, NM_001288574.2); c.-25-2A>G (NM_001411797.1); c.-338-2A>G (NM_001288575.2).
Identifiers: ClinVar variation 3342180 (VCV003342180.16).